The following is an entry in ClinVar:

ClinVar aggregate classification (germline): Uncertain significance. Review status: criteria provided, multiple submitters, no conflicts (2 of 4 stars). 2 submissions from 2 submitters: Uncertain significance (2). Last evaluated 2025-04-12.

Conditions:
Inborn genetic diseases. Identifiers: MedGen C0950123, MeSH D030342.
Inflammatory bowel disease 25. Also called: Inflammatory bowel disease 25, early onset, autosomal recessive. Identifiers: Orphanet 238569, MedGen C2675508, MONDO:0012941, OMIM 612567.

Submissions (2):

Ambry Genetics
Classification: Uncertain significance for Inborn genetic diseases. Last evaluated: 2025-04-12. Review status: criteria provided, single submitter. Criteria: Ambry Variant Classification Scheme 2023. Collection method: clinical testing. Allele origin: germline.

Labcorp Genetics (formerly Invitae), Labcorp
Classification: Uncertain significance for Inflammatory bowel disease 25. Last evaluated: 2022-10-04. Review status: criteria provided, single submitter. Criteria: Invitae Variant Classification Sherloc (09022015). Collection method: clinical testing. Allele origin: germline.
Comment: This sequence change replaces leucine, which is neutral and non-polar, with arginine, which is basic and polar, at codon 262 of the IL10RB protein (p.Leu262Arg). This variant is not present in population databases (gnomAD no frequency). This variant has not been reported in the literature in individuals affected with IL10RB-related conditions. ClinVar contains an entry for this variant (Variation ID: 1361224). Advanced modeling of protein sequence and biophysical properties (such as structural, functional, and spatial information, amino acid conservation, physicochemical variation, residue mobility, and thermodynamic stability) performed at Invitae indicates that this missense variant is expected to disrupt IL10RB protein function. In summary, the available evidence is currently insufficient to determine the role of this variant in disease. Therefore, it has been classified as a Variant of Uncertain Significance.

NM_000628.5(IL10RB):c.785T>G (p.Leu262Arg)

Genes: IFNAR2-IL10RB (IFNAR2-IL10RB readthrough; plus strand), IL10RB (interleukin 10 receptor subunit beta; plus strand). Cytogenetic location: 21q22.11.
Variant type: single nucleotide variant.
Coding change: c.785T>G on transcript NM_000628.5 (MANE Select); coding-DNA position 785, T replaced by G.
Protein change: p.Leu262Arg; replaces leucine 262 with arginine.
Molecular consequence: missense variant.
Genome position (GRCh38, 1-based): chr21:33,288,242, T>G. VCF-style: chr21-33288242-T-G. GRCh37 (hg19) VCF-style: chr21-34660547-T-G.
Other names: c.785T>G (NM_000628.3); short protein forms L262R.
Identifiers: ClinVar variation 1361224 (VCV001361224.6), dbSNP rs1989413733, ClinGen allele CA410111640.